The following is an entry in ClinVar:

ClinVar aggregate classification (germline): Conflicting classifications of pathogenicity. Review status: criteria provided, conflicting classifications (1 of 4 stars). 4 submissions from 4 submitters: Uncertain significance (3); Benign (1). Last evaluated 2026-02-10.

Conditions:
Hereditary cancer-predisposing syndrome. Also called: Neoplastic Syndromes, Hereditary; Tumor predisposition; Hereditary Cancer Syndrome; Hereditary neoplastic syndrome. Identifiers: Orphanet 140162, MedGen C0027672, MeSH D009386, MONDO:0015356.
Gorlin syndrome. Also called: Nevoid Basal Cell Carcinoma Syndrome; Basal cell nevus syndrome. Identifiers: Orphanet 377, MedGen C0004779, MONDO:0007187.
PTCH1-related disorder. Also called: PTCH1-related disorders; PTCH1-related condition.

Allele frequency attached by ClinVar (database versions not stated): gnomAD 0.00001; TOPMed 0.00001.

Submissions (4):

PreventionGenetics, part of Exact Sciences
Classification: Uncertain significance for PTCH1-related condition. Last evaluated: 2026-02-10. Review status: criteria provided, single submitter. Criteria: ACMG Guidelines, 2015. Collection method: clinical testing. Allele origin: germline.
Comment: The PTCH1 c.646A>G variant is predicted to result in the amino acid substitution p.Met216Val. This variant has been reported as uncertain in an individual with early onset breast cancer (Data Sheet 1, Gifoni et al. 2022. PubMed ID: 35957908). This variant is reported in 0.0098% of alleles in individuals of South Asian descent in gnomAD and has conflicting interpretations regarding its pathogenicity in ClinVar, ranging from benign to uncertain (Variation ID: 135906). At this time, the clinical significance of this variant is uncertain due to the absence of conclusive functional and genetic evidence.

Quest Diagnostics Nichols Institute San Juan Capistrano
Classification: Uncertain significance. Last evaluated: 2025-10-16. Review status: criteria provided, single submitter. Criteria: Quest Diagnostics criteria. Collection method: clinical testing. Allele origin: unknown.
Comment: The PTCH1 c.646A>G (p.Met216Val) variant has been reported in the published literature in an individual with early onset breast cancer ((PMID: 35957908 (2022)). The frequency of this variant in the general population (Genome Aggregation Database) is higher than would generally be expected for pathogenic variants in this gene. Analysis of this variant using bioinformatics tools for the prediction of the effect of amino acid changes on protein structure and function yielded predictions that this variant is benign. Based on the available information, we are unable to determine the clinical significance of this variant.

Labcorp Genetics (formerly Invitae), Labcorp
Classification: Benign for Gorlin syndrome. Last evaluated: 2025-09-21. Review status: criteria provided, single submitter. Criteria: Invitae Variant Classification Sherloc (09022015). Collection method: clinical testing. Allele origin: germline.

Ambry Genetics
Classification: Uncertain significance for Hereditary cancer-predisposing syndrome. Last evaluated: 2024-04-16. Review status: criteria provided, single submitter. Criteria: Ambry Variant Classification Scheme 2023. Collection method: clinical testing. Allele origin: germline.
Comment: The p.M216V variant (also known as c.646A>G), located in coding exon 4 of the PTCH1 gene, results from an A to G substitution at nucleotide position 646. The methionine at codon 216 is replaced by valine, an amino acid with highly similar properties. This amino acid position is well conserved in available vertebrate species. In addition, this alteration is predicted to be tolerated by in silico analysis. Since supporting evidence is limited at this time, the clinical significance of this alteration remains unclear.

Literature cited by the submitters: PubMed 35957908 (cited by Quest Diagnostics Nichols Institute San Juan Capistrano).

NM_000264.5(PTCH1):c.646A>G (p.Met216Val)

Gene: PTCH1 (patched 1; minus strand). Cytogenetic location: 9q22.32.
Variant type: single nucleotide variant.
Coding change: c.646A>G on transcript NM_000264.5 (MANE Select); coding-DNA position 646, A replaced by G.
Protein change: p.Met216Val; replaces methionine 216 with valine.
Molecular consequence: missense variant. On other transcripts: non-coding transcript variant (1).
Genome position (GRCh38, 1-based): chr9:95,482,142, T>C on the plus strand (A>G on the coding strand, the complement: PTCH1 is on the minus strand). VCF-style: chr9-95482142-T-C. GRCh37 (hg19) VCF-style: chr9-98244424-T-C.
Other names: c.646A>G (NM_000264.4); c.448A>G, p.Met150Val (NM_001083602.3, NM_001354919.2); c.643A>G, p.Met215Val (NM_001083603.3); c.193A>G, p.Met65Val (NM_001083604.3, NM_001083605.3, NM_001083606.3 and 1 more transcripts); c.646A>G, p.Met216Val (NM_001354918.2); short protein forms M150V, M216V, M65V, M215V.
Identifiers: ClinVar variation 135906 (VCV000135906.16), dbSNP rs587780709, ClinGen allele CA332595.